The following is an entry in ClinVar:

ClinVar aggregate classification (germline): Uncertain significance (1 of 4 stars; one submission).

Allele frequency attached by ClinVar (database versions not stated): ExAC 0.00001; gnomAD exomes 0.00001; 1000 Genomes Project 0.00020; TOPMed 0.00001; 1000 Genomes Project 30x 0.00031; gnomAD 0.00001.
gnomAD v4.1: 17 of 1,614,144 alleles (0.0011%); highest among the groups gnomAD compares: Admixed American, 0.015%; no homozygotes.

Submission:

Labcorp Genetics (formerly Invitae), Labcorp
Classification: Uncertain significance. Last evaluated: 2025-05-27. Review status: criteria provided, single submitter. Criteria: Invitae Variant Classification Sherloc (09022015). Collection method: clinical testing. Allele origin: germline.
Comment: This sequence change replaces proline, which is neutral and non-polar, with alanine, which is neutral and non-polar, at codon 183 of the PODXL protein (p.Pro183Ala). This variant is present in population databases (rs200572752, gnomAD 0.02%). This variant has not been reported in the literature in individuals affected with PODXL-related conditions. ClinVar contains an entry for this variant (Variation ID: 2960394). An algorithm developed to predict the effect of missense changes on protein structure and function outputs the following: PolyPhen-2: "Benign". The alanine amino acid residue is found in multiple mammalian species, which suggests that this missense change does not adversely affect protein function. In summary, the available evidence is currently insufficient to determine the role of this variant in disease. Therefore, it has been classified as a Variant of Uncertain Significance.

NM_001018111.3(PODXL):c.547C>G (p.Pro183Ala)

Gene: PODXL (podocalyxin like; minus strand). Cytogenetic location: 7q32.3.
Variant type: single nucleotide variant.
Coding change: c.547C>G on transcript NM_001018111.3 (MANE Select); coding-DNA position 547, C replaced by G.
Protein change: p.Pro183Ala; replaces proline 183 with alanine.
Molecular consequence: missense variant.
Genome position (GRCh38, 1-based): chr7:131,510,987, G>C on the plus strand (C>G on the coding strand, the complement: PODXL is on the minus strand). VCF-style: chr7-131510987-G-C. GRCh37 (hg19) VCF-style: chr7-131195746-G-C.
Other names: c.547C>G, p.Pro183Ala (NM_005397.4); short protein forms P183A.
Identifiers: ClinVar variation 2960394 (VCV002960394.3), dbSNP rs200572752, ClinGen allele CA4488676.